The following is an entry in ClinVar:

NM_000282.4(PCCA):c.1162G>A (p.Asp388Asn)

Gene: PCCA (propionyl-CoA carboxylase subunit alpha; plus strand). Cytogenetic location: 13q32.3.
Variant type: single nucleotide variant.
Coding change: c.1162G>A on transcript NM_000282.4 (MANE Select); coding-DNA position 1162, G replaced by A.
Protein change: p.Asp388Asn; replaces aspartic acid 388 with asparagine.
Molecular consequence: missense variant. On other transcripts: intron variant (3), non-coding transcript variant (5).
Genome position (GRCh38, 1-based): chr13:100,301,556, G>A. VCF-style: chr13-100301556-G-A. GRCh37 (hg19) VCF-style: chr13-100953810-G-A.
Other names: c.121-1368G>A (NM_001352612.2); c.988-1368G>A (NM_001352608.2); c.1084G>A, p.Asp362Asn (NM_001127692.3, NM_001352607.2); c.1162G>A, p.Asp388Asn (NM_001178004.2, NM_001352605.2, NM_001352609.2); c.217G>A, p.Asp73Asn (NM_001352610.2, NM_001352611.2); c.1066-1368G>A (NM_001352606.2); short protein forms D362N, D388N, D73N.
Identifiers: ClinVar variation 2415552 (VCV002415552.6), dbSNP rs2152684002, ClinGen allele CA388695300.

ClinVar aggregate classification (germline): Uncertain significance (1 of 4 stars; one submission).

Conditions:
Propionic acidemia (PROP). Also called: GLYCINEMIA, KETOTIC; HYPERGLYCINEMIA WITH KETOACIDOSIS AND LEUKOPENIA; KETOTIC HYPERGLYCINEMIA. Identifiers: Orphanet 35, MedGen C0268579, MONDO:0011628, OMIM 606054, HP:0003571.

Submission:

Labcorp Genetics (formerly Invitae), Labcorp
Classification: Uncertain significance for Propionic acidemia. Last evaluated: 2022-03-05. Review status: criteria provided, single submitter. Criteria: Invitae Variant Classification Sherloc (09022015). Collection method: clinical testing. Allele origin: germline.
Comment: In summary, the available evidence is currently insufficient to determine the role of this variant in disease. Therefore, it has been classified as a Variant of Uncertain Significance. Advanced modeling of protein sequence and biophysical properties (such as structural, functional, and spatial information, amino acid conservation, physicochemical variation, residue mobility, and thermodynamic stability) performed at Invitae indicates that this missense variant is expected to disrupt PCCA protein function. This variant has not been reported in the literature in individuals affected with PCCA-related conditions. This variant is not present in population databases (gnomAD no frequency). This sequence change replaces aspartic acid, which is acidic and polar, with asparagine, which is neutral and polar, at codon 388 of the PCCA protein (p.Asp388Asn).